The following is an entry in ClinVar:

ClinVar aggregate classification (germline): Uncertain significance. Review status: criteria provided, multiple submitters, no conflicts (2 of 4 stars). 2 submissions from 2 submitters: Uncertain significance (2). Last evaluated 2026-01-19.

Conditions:
Cystic fibrosis (CF). Also called: MUCOVISCIDOSIS. Identifiers: Orphanet 586, MedGen C0010674, MONDO:0009061, OMIM 219700. Disease mechanism: loss of function.

Allele frequency attached by ClinVar (database versions not stated): gnomAD 0.00001; TOPMed 0.00001.
gnomAD v4.1: 3 of 1,613,614 alleles (0.00019%); highest among the groups gnomAD compares: Non-Finnish European, 0.00025%; no homozygotes.

Submissions (2):

Labcorp Genetics (formerly Invitae), Labcorp
Classification: Uncertain significance for Cystic fibrosis. Last evaluated: 2026-01-19. Review status: criteria provided, single submitter. Criteria: Invitae Variant Classification Sherloc (09022015). Collection method: clinical testing. Allele origin: germline.
Comment: This sequence change replaces serine, which is neutral and polar, with cysteine, which is neutral and slightly polar, at codon 364 of the CFTR protein (p.Ser364Cys). This variant is not present in population databases (gnomAD no frequency). This variant has not been reported in the literature in individuals affected with CFTR-related conditions. ClinVar contains an entry for this variant (Variation ID: 1789399). Invitae Evidence Modeling of protein sequence and biophysical properties (such as structural, functional, and spatial information, amino acid conservation, physicochemical variation, residue mobility, and thermodynamic stability) indicates that this missense variant is expected to disrupt CFTR protein function with a positive predictive value of 80%. In summary, the available evidence is currently insufficient to determine the role of this variant in disease. Therefore, it has been classified as a Variant of Uncertain Significance.

Ambry Genetics
Classification: Uncertain significance for Cystic fibrosis. Last evaluated: 2025-11-17. Review status: criteria provided, single submitter. Criteria: Ambry Variant Classification Scheme 2023. Collection method: clinical testing. Allele origin: germline.
Comment: The p.S364C variant (also known as c.1091C>G), located in coding exon 8 of the CFTR gene, results from a C to G substitution at nucleotide position 1091. The serine at codon 364 is replaced by cysteine, an amino acid with dissimilar properties. This amino acid position is well conserved in available vertebrate species. In addition, the in silico prediction for this alteration is inconclusive. Since supporting evidence is limited at this time, the clinical significance of this alteration remains unclear.

NM_000492.4(CFTR):c.1091C>G (p.Ser364Cys)

Gene: CFTR (CF transmembrane conductance regulator; plus strand). Cytogenetic location: 7q31.2.
Variant type: single nucleotide variant.
Coding change: c.1091C>G on transcript NM_000492.4 (MANE Select); coding-DNA position 1091, C replaced by G.
Protein change: p.Ser364Cys; replaces serine 364 with cysteine.
Molecular consequence: missense variant.
Genome position (GRCh38, 1-based): chr7:117,540,321, C>G. VCF-style: chr7-117540321-C-G. GRCh37 (hg19) VCF-style: chr7-117180375-C-G.
Other names: short protein forms S364C.
Identifiers: ClinVar variation 1789399 (VCV001789399.6), dbSNP rs1175337832, ClinGen allele CA368979043.